The following is an entry in ClinVar:

ClinVar aggregate classification (germline): Uncertain significance (1 of 4 stars; one submission).

gnomAD v4.1: 1 of 1,613,358 alleles (0.000062%); no homozygotes.

Submission:

Labcorp Genetics (formerly Invitae), Labcorp
Classification: Uncertain significance. Last evaluated: 2025-01-27. Review status: criteria provided, single submitter. Criteria: Invitae Variant Classification Sherloc (09022015). Collection method: clinical testing. Allele origin: germline.
Comment: This sequence change replaces proline, which is neutral and non-polar, with leucine, which is neutral and non-polar, at codon 200 of the IKZF1 protein (p.Pro200Leu). This variant is not present in population databases (gnomAD no frequency). This variant has not been reported in the literature in individuals affected with IKZF1-related conditions. An algorithm developed to predict the effect of missense changes on protein structure and function (PolyPhen-2) suggests that this variant is likely to be disruptive. In summary, the available evidence is currently insufficient to determine the role of this variant in disease. Therefore, it has been classified as a Variant of Uncertain Significance.

NM_006060.6(IKZF1):c.599C>T (p.Pro200Leu)

Gene: IKZF1 (IKAROS family zinc finger 1; plus strand). Cytogenetic location: 7p12.2.
Variant type: single nucleotide variant.
Coding change: c.599C>T on transcript NM_006060.6 (MANE Select); coding-DNA position 599, C replaced by T.
Protein change: p.Pro200Leu; replaces proline 200 with leucine.
Molecular consequence: missense variant. On other transcripts: intron variant (9).
Genome position (GRCh38, 1-based): chr7:50,387,354, C>T. VCF-style: chr7-50387354-C-T. GRCh37 (hg19) VCF-style: chr7-50455052-C-T.
Other names: c.590-4375C>T (NM_001291837.2, NM_001220765.3); c.589+4647C>T (NM_001220768.2); c.421+10561C>T (NM_001220771.2); c.329-4375C>T (NM_001220770.2, NM_001291839.2); c.161-4375C>T (NM_001291843.1, NM_001291844.1); c.161-12564C>T (NM_001291840.1); c.338C>T, p.Pro113Leu (NM_001220767.2, NM_001291838.2); c.170C>T, p.Pro57Leu (NM_001291841.1, NM_001291842.1); and 1 more; short protein forms P57L, P113L, P200L, P220L.
Identifiers: ClinVar variation 3727805 (VCV003727805.2).
Genomic context (GRCh38, chr7:50,387,354, plus strand): 5'-CAGAAGGCTGGCATTTAATTGGGGTCTTGAACTCAATTGTGTTTTCTGCAGTTGGTAAAC[C>T]TCACAAATGTGGATATTGTGGCCGAAGCTATAAACAGCGAAGCTCTTTAGAGGAACATAA-3'
Protein context (NP_006051.1, residues 190-210): GHLRTHSVGK[Pro200Leu]HKCGYCGRSY